The following is an entry in ClinVar:

ClinVar aggregate classification (germline): Uncertain significance (0 of 4 stars; one submission).

Conditions:
MAGEL2-related disorder. Also called: MAGEL2-related condition.

Submission:

PreventionGenetics, part of Exact Sciences
Classification: Uncertain significance for MAGEL2-related condition. Last evaluated: 2024-06-28. Review status: no assertion criteria provided. Collection method: clinical testing. Allele origin: germline.
Comment: The MAGEL2 c.3253C>T variant is predicted to result in the amino acid substitution p.His1085Tyr. To our knowledge, this variant has not been reported in the literature or in a large population database, indicating this variant is rare. At this time, the clinical significance of this variant is uncertain due to the absence of conclusive functional and genetic evidence.

NM_019066.5(MAGEL2):c.3253C>T (p.His1085Tyr)

Gene: MAGEL2 (MAGE family member L2; minus strand). Cytogenetic location: 15q11.2.
Variant type: single nucleotide variant.
Coding change: c.3253C>T on transcript NM_019066.5 (MANE Select); coding-DNA position 3253, C replaced by T.
Protein change: p.His1085Tyr; replaces histidine 1085 with tyrosine.
Molecular consequence: missense variant.
Genome position (GRCh38, 1-based): chr15:23,644,490, G>A on the plus strand (C>T on the coding strand, the complement: MAGEL2 is on the minus strand). VCF-style: chr15-23644490-G-A. GRCh37 (hg19) VCF-style: chr15-23889637-G-A.
Other names: short protein forms H1085Y.
Identifiers: ClinVar variation 3344751 (VCV003344751.1).